The following is an entry in ClinVar:

NM_175914.5(HNF4A):c.916T>C (p.Tyr306His)

Gene: HNF4A (hepatocyte nuclear factor 4 alpha; plus strand). Cytogenetic location: 20q13.12.
Variant type: single nucleotide variant.
Coding change: c.916T>C on transcript NM_175914.5 (MANE Select); coding-DNA position 916, T replaced by C.
Protein change: p.Tyr306His; replaces tyrosine 306 with histidine.
Molecular consequence: missense variant.
Genome position (GRCh38, 1-based): chr20:44,424,107, T>C. VCF-style: chr20-44424107-T-C. GRCh37 (hg19) VCF-style: chr20-43052747-T-C.
Other names: c.982T>C, p.Tyr328His (NM_000457.6, NM_178849.3, NM_178850.3); c.916T>C, p.Tyr306His (NM_001030003.3, NM_001030004.3); c.961T>C, p.Tyr321His (NM_001258355.2); c.907T>C, p.Tyr303His (NM_001287182.2, NM_001287183.2, NM_001287184.2); short protein forms Y306H, Y328H, Y303H, Y321H.
Identifiers: ClinVar variation 4766579 (VCV004766579.1).

ClinVar aggregate classification (germline): Uncertain significance (1 of 4 stars; one submission).

gnomAD v4.1: 5 of 1,613,486 alleles (0.00031%); highest among the groups gnomAD compares: South Asian, 0.0022%; no homozygotes.

Submission:

Labcorp Genetics (formerly Invitae), Labcorp
Classification: Uncertain significance. Last evaluated: 2025-05-19. Review status: criteria provided, single submitter. Criteria: Invitae Variant Classification Sherloc (09022015). Collection method: clinical testing. Allele origin: germline.
Comment: This sequence change replaces tyrosine, which is neutral and polar, with histidine, which is basic and polar, at codon 306 of the HNF4A protein (p.Tyr306His). This variant is present in population databases (rs753881645, gnomAD 0.003%). This variant has not been reported in the literature in individuals affected with HNF4A-related conditions. Invitae Evidence Modeling of protein sequence and biophysical properties (such as structural, functional, and spatial information, amino acid conservation, physicochemical variation, residue mobility, and thermodynamic stability) has been performed for this missense variant. However, the output from this modeling did not meet the statistical confidence thresholds required to predict the impact of this variant on HNF4A protein function. In summary, the available evidence is currently insufficient to determine the role of this variant in disease. Therefore, it has been classified as a Variant of Uncertain Significance.